The following is an entry in ClinVar:

ClinVar aggregate classification (germline): Uncertain significance (1 of 4 stars; one submission).

Conditions:
Brugada syndrome. Also called: Sudden unexpected nocturnal death syndrome; Sudden unexplained nocturnal death syndrome; Sudden Unexplained Death Syndrome; Sudden Unexplained Nocturnal Death Syndrome (SUNDS). Identifiers: Orphanet 130, MedGen C1142166, MONDO:0015263.

Submission:

Labcorp Genetics (formerly Invitae), Labcorp
Classification: Uncertain significance for Brugada syndrome. Last evaluated: 2023-09-03. Review status: criteria provided, single submitter. Criteria: Invitae Variant Classification Sherloc (09022015). Collection method: clinical testing. Allele origin: germline.
Comment: This sequence change replaces isoleucine, which is neutral and non-polar, with methionine, which is neutral and non-polar, at codon 138 of the GPD1L protein (p.Ile138Met). This variant is not present in population databases (gnomAD no frequency). This variant has not been reported in the literature in individuals affected with GPD1L-related conditions. Advanced modeling of protein sequence and biophysical properties (such as structural, functional, and spatial information, amino acid conservation, physicochemical variation, residue mobility, and thermodynamic stability) performed at Invitae indicates that this missense variant is not expected to disrupt GPD1L protein function. In summary, the available evidence is currently insufficient to determine the role of this variant in disease. Therefore, it has been classified as a Variant of Uncertain Significance.

NM_015141.4(GPD1L):c.414C>G (p.Ile138Met)

Gene: GPD1L (glycerol-3-phosphate dehydrogenase 1 like; plus strand). Cytogenetic location: 3p22.3.
Variant type: single nucleotide variant.
Coding change: c.414C>G on transcript NM_015141.4 (MANE Select); coding-DNA position 414, C replaced by G.
Protein change: p.Ile138Met; replaces isoleucine 138 with methionine.
Molecular consequence: missense variant.
Genome position (GRCh38, 1-based): chr3:32,140,275, C>G. VCF-style: chr3-32140275-C-G. GRCh37 (hg19) VCF-style: chr3-32181767-C-G.
Other names: short protein forms I138M.
Identifiers: ClinVar variation 2988349 (VCV002988349.3), dbSNP rs2471398778, ClinGen allele CA351974693.
Genomic context (GRCh38, chr3:32,140,275, plus strand): 5'-GGCATCCTTGTAGGGCATAGACGAGGGCCCCGAGGGGCTGAAGCTCATTTCTGACATCAT[C>G]CGTGAGAAGATGGGTATTGACATCAGTGTGCTGATGGGAGCCAACATTGCCAATGAGGTG-3'
Protein context (NP_055956.1, residues 128-148): PEGLKLISDI[Ile138Met]REKMGIDISV